The following is an entry in ClinVar:

NM_032119.4(ADGRV1):c.15073T>G (p.Leu5025Val)

Gene: ADGRV1 (adhesion G protein-coupled receptor V1; plus strand). Cytogenetic location: 5q14.3.
Variant type: single nucleotide variant.
Coding change: c.15073T>G on transcript NM_032119.4 (MANE Select); coding-DNA position 15073, T replaced by G.
Protein change: p.Leu5025Val; replaces leucine 5025 with valine.
Molecular consequence: missense variant. On other transcripts: non-coding transcript variant (1).
Genome position (GRCh38, 1-based): chr5:90,810,333, T>G. VCF-style: chr5-90810333-T-G. GRCh37 (hg19) VCF-style: chr5-90106150-T-G.
Other names: short protein forms L5025V.
Identifiers: ClinVar variation 1378758 (VCV001378758.6), dbSNP rs2150226226, ClinGen allele CA360407408.

ClinVar aggregate classification (germline): Uncertain significance (1 of 4 stars; one submission).

Submission:

Labcorp Genetics (formerly Invitae), Labcorp
Classification: Uncertain significance. Last evaluated: 2021-08-31. Review status: criteria provided, single submitter. Criteria: Invitae Variant Classification Sherloc (09022015). Collection method: clinical testing. Allele origin: germline.
Comment: In summary, the available evidence is currently insufficient to determine the role of this variant in disease. Therefore, it has been classified as a Variant of Uncertain Significance. Algorithms developed to predict the effect of missense changes on protein structure and function (SIFT, PolyPhen-2, Align-GVGD) all suggest that this variant is likely to be tolerated. This variant has not been reported in the literature in individuals affected with ADGRV1-related conditions. This variant is not present in population databases (ExAC no frequency). This sequence change replaces leucine with valine at codon 5025 of the ADGRV1 protein (p.Leu5025Val). The leucine residue is moderately conserved and there is a small physicochemical difference between leucine and valine.